The following is an entry in ClinVar:

NM_000138.5(FBN1):c.1862G>A (p.Gly621Glu)

Gene: FBN1 (fibrillin 1; minus strand). Cytogenetic location: 15q21.1.
Variant type: single nucleotide variant.
Coding change: c.1862G>A on transcript NM_000138.5 (MANE Select); coding-DNA position 1862, G replaced by A.
Protein change: p.Gly621Glu; replaces glycine 621 with glutamic acid.
Molecular consequence: missense variant.
Genome position (GRCh38, 1-based): chr15:48,505,123, C>T on the plus strand (G>A on the coding strand, the complement: FBN1 is on the minus strand). VCF-style: chr15-48505123-C-T. GRCh37 (hg19) VCF-style: chr15-48797320-C-T.
Other names: short protein forms G621E.
Identifiers: ClinVar variation 457167 (VCV000457167.8), dbSNP rs1555399833, ClinGen allele CA392339159.

ClinVar aggregate classification (germline): Uncertain significance. Review status: criteria provided, multiple submitters, no conflicts (2 of 4 stars). 3 submissions from 3 submitters: Uncertain significance (3). Last evaluated 2026-03-27.

Conditions:
Marfan syndrome (MFS). Also called: Marfan syndrome, classic; MARFAN SYNDROME, TYPE I; FBN1-Related Marfan Syndrome; Marfan syndrome type 1; Marfan's syndrome. Identifiers: Orphanet 284963, Orphanet 558, MedGen C0024796, MONDO:0007947, OMIM 154700.
Familial thoracic aortic aneurysm and aortic dissection (TAAD). Also called: Thoracic aortic aneurysms and dissections. Identifiers: Orphanet 91387, MedGen C4707243, MONDO:0019625.

Allele frequency attached by ClinVar (database versions not stated): gnomAD exomes below 0.00001.
gnomAD v4.1: 1 of 1,614,104 alleles (0.000062%); highest among the groups gnomAD compares: Non-Finnish European, 0.000085%; no homozygotes.

Submissions (3):

GeneDx
Classification: Uncertain significance. Last evaluated: 2026-03-27. Review status: criteria provided, single submitter. Criteria: GeneDx Variant Classification Process June 2021. Collection method: clinical testing. Allele origin: germline.
Comment: Not observed at significant frequency in large population cohorts (gnomAD); In silico analysis supports that this missense variant has a deleterious effect on protein structure/function; Has not been previously published as pathogenic or benign to our knowledge; Does not affect a cysteine or calcium-binding residue within an EGF-like domain or a TGF-binding protein domain of the FBN1 gene; cysteine substitutions in the EGF-like domains represent the majority of pathogenic missense changes associated with FBN1-related disorders (PMID: 12938084); This variant is associated with the following publications: (PMID: 12938084)

Institute for Clinical Genetics, University Hospital TU Dresden, University Hospital TU Dresden
Classification: Uncertain significance. Last evaluated: 2023-07-21. Review status: criteria provided, single submitter. Criteria: ACMG Guidelines, 2015. Collection method: clinical testing. Allele origin: germline.
Comment: PP3, PM2_SUP, PP2

Labcorp Genetics (formerly Invitae), Labcorp
Classification: Uncertain significance for Marfan syndrome; Familial thoracic aortic aneurysm and aortic dissection. Last evaluated: 2017-05-27. Review status: criteria provided, single submitter. Criteria: Invitae Variant Classification Sherloc (09022015). Collection method: clinical testing. Allele origin: germline.
Comment: In summary, this variant has uncertain impact on FBN1 function. The available evidence is currently insufficient to determine its role in disease. Therefore, it has been classified as a Variant of Uncertain Significance. Algorithms developed to predict the effect of missense changes on protein structure and function do not agree on the potential impact of this missense change (SIFT: "Tolerated"; PolyPhen-2: "Probably Damaging"; Align-GVGD: "Class C0"). This variant has not been reported in the literature in individuals with a FBN1-related disease. This variant is not present in population databases (ExAC no frequency). This sequence change replaces glycine with glutamic acid at codon 621 of the FBN1 protein (p.Gly621Glu). The glycine residue is highly conserved and there is a moderate physicochemical difference between glycine and glutamic acid.